The following is an entry in ClinVar:

NM_003072.5(SMARCA4):c.2019G>A (p.Gln673=)

Gene: SMARCA4 (SWI/SNF related BAF chromatin remodeling complex subunit ATPase 4; plus strand). Cytogenetic location: 19p13.2.
Variant type: single nucleotide variant.
Coding change: c.2019G>A on transcript NM_003072.5 (MANE Select); coding-DNA position 2019, G replaced by A.
Protein change: p.Gln673=; no amino-acid change (glutamine 673 retained).
Molecular consequence: synonymous variant. On other transcripts: non-coding transcript variant (1).
Genome position (GRCh38, 1-based): chr19:11,007,919, G>A. VCF-style: chr19-11007919-G-A. GRCh37 (hg19) VCF-style: chr19-11118595-G-A.
Other names: c.2019G>A, p.Gln673= (NM_001128844.3, NM_001128845.2, NM_001128846.2 and 4 more transcripts).
Identifiers: ClinVar variation 760071 (VCV000760071.11), dbSNP rs1463911723, ClinGen allele CA505486748.

ClinVar aggregate classification (germline): Benign/Likely benign. Review status: criteria provided, multiple submitters, no conflicts (2 of 4 stars). 3 submissions from 3 submitters: Benign (1); Likely benign (2). Last evaluated 2026-07-10.

Conditions:
Rhabdoid tumor predisposition syndrome 2 (RTPS2). Identifiers: Orphanet 231108, Orphanet 69077, MedGen C2750074, MONDO:0013224, OMIM 613325.
Hereditary cancer-predisposing syndrome. Also called: Hereditary neoplastic syndrome; Neoplastic Syndromes, Hereditary; Tumor predisposition; Hereditary Cancer Syndrome. Identifiers: Orphanet 140162, MedGen C0027672, MeSH D009386, MONDO:0015356.

gnomAD v4.1: 1 of 1,613,648 alleles (0.000062%); highest among the groups gnomAD compares: Non-Finnish European, 0.000085%; no homozygotes.

Submissions (3):

Myriad Genetics, Inc.
Classification: Benign for Rhabdoid tumor predisposition syndrome 2. Last evaluated: 2026-07-10. Review status: criteria provided, single submitter. Criteria: Myriad Autosomal Dominant, Autosomal Recessive and X-Linked Classification Criteria (2023). Collection method: clinical testing. Allele origin: unknown.
Comment: This variant is considered benign. This variant is a silent/synonymous amino acid change and it is not expected to impact splicing.

Labcorp Genetics (formerly Invitae), Labcorp
Classification: Likely benign for Rhabdoid tumor predisposition syndrome 2. Last evaluated: 2024-05-26. Review status: criteria provided, single submitter. Criteria: Invitae Variant Classification Sherloc (09022015). Collection method: clinical testing. Allele origin: germline.

Ambry Genetics
Classification: Likely benign for Hereditary cancer-predisposing syndrome. Last evaluated: 2023-08-25. Review status: criteria provided, single submitter. Criteria: Ambry Variant Classification Scheme 2023. Collection method: clinical testing. Allele origin: germline.